The following is an entry in ClinVar:

ClinVar aggregate classification (germline): Uncertain significance (1 of 4 stars; one submission).

Conditions:
Inborn genetic diseases. Identifiers: MedGen C0950123, MeSH D030342.

Submission:

Ambry Genetics
Classification: Uncertain significance for Inborn genetic diseases. Last evaluated: 2025-06-08. Review status: criteria provided, single submitter. Criteria: Ambry Variant Classification Scheme 2023. Collection method: clinical testing. Allele origin: germline.
Comment: The p.Q485K variant (also known as c.1453C>A), located in coding exon 11 of the DNMT3A gene, results from a C to A substitution at nucleotide position 1453. The glutamine at codon 485 is replaced by lysine, an amino acid with similar properties. This amino acid position is conserved. In addition, this alteration is predicted to be tolerated by in silico analysis. Based on the available evidence, the clinical significance of this variant remains unclear.

NM_022552.5(DNMT3A):c.1453C>A (p.Gln485Lys)

Gene: DNMT3A (DNA methyltransferase 3 alpha; minus strand). Cytogenetic location: 2p23.3.
Variant type: single nucleotide variant.
Coding change: c.1453C>A on transcript NM_022552.5 (MANE Select); coding-DNA position 1453, C replaced by A.
Protein change: p.Gln485Lys; replaces glutamine 485 with lysine.
Molecular consequence: missense variant. On other transcripts: non-coding transcript variant (1).
Genome position (GRCh38, 1-based): chr2:25,246,041, G>T on the plus strand (C>A on the coding strand, the complement: DNMT3A is on the minus strand). VCF-style: chr2-25246041-G-T. GRCh37 (hg19) VCF-style: chr2-25468910-G-T.
Other names: c.997C>A, p.Gln333Lys (NM_001320893.1); c.784C>A, p.Gln262Lys (NM_001375819.1); c.886C>A, p.Gln296Lys (NM_153759.3); c.1453C>A, p.Gln485Lys (NM_175629.2); short protein forms Q333K, Q262K, Q296K, Q485K.
Identifiers: ClinVar variation 4013951 (VCV004013951.1).